The following is an entry in ClinVar:

ClinVar aggregate classification (germline): Uncertain significance (1 of 4 stars; one submission).

Conditions:
Glycogen storage disease, type VII (GSD7). Also called: MUSCLE PHOSPHOFRUCTOKINASE DEFICIENCY; PFKM DEFICIENCY; TARUI DISEASE; GSD VII. Identifiers: Orphanet 371, MedGen C0017926, MONDO:0009295, OMIM 232800.

Allele frequency attached by ClinVar (database versions not stated): gnomAD exomes below 0.00001.

Submission:

Labcorp Genetics (formerly Invitae), Labcorp
Classification: Uncertain significance for Glycogen storage disease, type VII. Last evaluated: 2022-04-12. Review status: criteria provided, single submitter. Criteria: Invitae Variant Classification Sherloc (09022015). Collection method: clinical testing. Allele origin: germline.
Comment: This sequence change replaces arginine, which is basic and polar, with cysteine, which is neutral and slightly polar, at codon 253 of the PFKM protein (p.Arg253Cys). This variant is present in population databases (no rsID available, gnomAD 0.002%). This variant has not been reported in the literature in individuals affected with PFKM-related conditions. Algorithms developed to predict the effect of missense changes on protein structure and function are either unavailable or do not agree on the potential impact of this missense change (SIFT: "Deleterious"; PolyPhen-2: "Possibly Damaging"; Align-GVGD: "Class C0"). In summary, the available evidence is currently insufficient to determine the role of this variant in disease. Therefore, it has been classified as a Variant of Uncertain Significance.

NM_000289.6(PFKM):c.757C>T (p.Arg253Cys)

Gene: PFKM (phosphofructokinase, muscle; plus strand). Cytogenetic location: 12q13.11.
Variant type: single nucleotide variant.
Coding change: c.757C>T on transcript NM_000289.6 (MANE Select); coding-DNA position 757, C replaced by T.
Protein change: p.Arg253Cys; replaces arginine 253 with cysteine.
Molecular consequence: missense variant. On other transcripts: non-coding transcript variant (6).
Genome position (GRCh38, 1-based): chr12:48,134,952, C>T. VCF-style: chr12-48134952-C-T. GRCh37 (hg19) VCF-style: chr12-48528735-C-T.
Other names: c.970C>T, p.Arg324Cys (NM_001166686.2, NM_001354737.1, NM_001354738.1 and 1 more transcripts); c.757C>T, p.Arg253Cys (NM_001166687.2, NM_001166688.2, NM_001354742.2 and 4 more transcripts); c.1066C>T, p.Arg356Cys (NM_001354735.1, NM_001354736.1); c.901C>T, p.Arg301Cys (NM_001354740.1); c.781C>T, p.Arg261Cys (NM_001354741.2); c.670C>T, p.Arg224Cys (NM_001354745.2); c.607C>T, p.Arg203Cys (NM_001354747.2, NM_001354748.2); short protein forms R253C, R324C, R261C, R203C, R224C, R301C, R356C.
Identifiers: ClinVar variation 2161422 (VCV002161422.1), dbSNP rs1054681155, ClinGen allele CA236511344.